The following is an entry in ClinVar:

NM_004523.4(KIF11):c.2986T>C (p.Ser996Pro)

Gene: KIF11 (kinesin family member 11; plus strand). Cytogenetic location: 10q23.33.
Variant type: single nucleotide variant.
Coding change: c.2986T>C on transcript NM_004523.4 (MANE Select); coding-DNA position 2986, T replaced by C.
Protein change: p.Ser996Pro; replaces serine 996 with proline.
Molecular consequence: missense variant.
Genome position (GRCh38, 1-based): chr10:92,650,464, T>C. VCF-style: chr10-92650464-T-C. GRCh37 (hg19) VCF-style: chr10-94410221-T-C.
Other names: short protein forms S996P.
Identifiers: ClinVar variation 2814099 (VCV002814099.3), dbSNP rs2492544313, ClinGen allele CA377806428.

ClinVar aggregate classification (germline): Uncertain significance (1 of 4 stars; one submission).

Allele frequency attached by ClinVar (database versions not stated): gnomAD exomes below 0.00001.
gnomAD v4.1: 2 of 1,613,818 alleles (0.00012%); highest among the groups gnomAD compares: Admixed American, 0.0033%; no homozygotes.

Submission:

Labcorp Genetics (formerly Invitae), Labcorp
Classification: Uncertain significance. Last evaluated: 2022-11-15. Review status: criteria provided, single submitter. Criteria: Invitae Variant Classification Sherloc (09022015). Collection method: clinical testing. Allele origin: germline.
Comment: In summary, the available evidence is currently insufficient to determine the role of this variant in disease. Therefore, it has been classified as a Variant of Uncertain Significance. Algorithms developed to predict the effect of missense changes on protein structure and function output the following: SIFT: "Tolerated"; PolyPhen-2: "Benign"; Align-GVGD: "Class C0". The proline amino acid residue is found in multiple mammalian species, which suggests that this missense change does not adversely affect protein function. This variant has not been reported in the literature in individuals affected with KIF11-related conditions. This variant is not present in population databases (gnomAD no frequency). This sequence change replaces serine, which is neutral and polar, with proline, which is neutral and non-polar, at codon 996 of the KIF11 protein (p.Ser996Pro).